The following is an entry in ClinVar:

NM_004260.4(RECQL4):c.354+5G>T

Gene: RECQL4 (RecQ like helicase 4; minus strand). Cytogenetic location: 8q24.3.
Variant type: single nucleotide variant.
Coding change: c.354+5G>T on transcript NM_004260.4 (MANE Select); 5 bases into the intron after coding-DNA position 354, G replaced by T.
Molecular consequence: intron variant.
Genome position (GRCh38, 1-based): chr8:144,517,045, C>A on the plus strand (G>T on the coding strand, the complement: RECQL4 is on the minus strand). VCF-style: chr8-144517045-C-A. GRCh37 (hg19) VCF-style: chr8-145742429-C-A.
Identifiers: ClinVar variation 459489 (VCV000459489.5), dbSNP rs780212446, ClinGen allele CA4949362.
Genomic context (GRCh38, chr8:144,517,045, plus strand): 5'-GAGGGCGACCCGGACCGGAAGCAGCTGTGGACCTAGCGTGGACTCACTGCCTGCCCACTC[C>A]TCACCTGCAGGGTGCCTTTCAGATTGGCCTTGAGCCGCTGCCCGTAGTCCGGCACCGAGC-3'

ClinVar aggregate classification (germline): Uncertain significance (1 of 4 stars; one submission).

Conditions:
Baller-Gerold syndrome (BGS). Also called: CRANIOSYNOSTOSIS WITH RADIAL DEFECTS. Identifiers: Orphanet 1225, MedGen C0265308, MONDO:0009039, OMIM 218600.

Allele frequency attached by ClinVar (database versions not stated): gnomAD exomes below 0.00001; ExAC 0.00001.
gnomAD v4.1: 1 of 1,607,954 alleles (0.000062%); highest among the groups gnomAD compares: East Asian, 0.0022%; no homozygotes.

Submission:

Labcorp Genetics (formerly Invitae), Labcorp
Classification: Uncertain significance for Baller-Gerold syndrome. Last evaluated: 2022-03-13. Review status: criteria provided, single submitter. Criteria: Invitae Variant Classification Sherloc (09022015). Collection method: clinical testing. Allele origin: germline.
Comment: In summary, the available evidence is currently insufficient to determine the role of this variant in disease. Therefore, it has been classified as a Variant of Uncertain Significance. Variants that disrupt the consensus splice site are a relatively common cause of aberrant splicing (PMID: 17576681, 9536098). Algorithms developed to predict the effect of sequence changes on RNA splicing suggest that this variant may disrupt the consensus splice site. ClinVar contains an entry for this variant (Variation ID: 459489). This variant has not been reported in the literature in individuals affected with RECQL4-related conditions. This variant is present in population databases (rs780212446, gnomAD 0.006%). This sequence change falls in intron 4 of the RECQL4 gene. It does not directly change the encoded amino acid sequence of the RECQL4 protein. It affects a nucleotide within the consensus splice site.

Literature cited by the submitters: PubMed 17576681; PubMed 9536098.